The following is an entry in ClinVar:

NM_003070.5(SMARCA2):c.3384TGG[3] (p.Gly1130_Leu1131insGly)

Gene: SMARCA2 (SWI/SNF related BAF chromatin remodeling complex subunit ATPase 2; plus strand). Cytogenetic location: 9p24.3.
Variant type: Microsatellite.
Coding change: c.3384TGG[3] on transcript NM_003070.5 (MANE Select); three copies in a row of the 3-base unit TGG starting at c.3384; the reference has two copies in a row; one copy, 3 bases duplicated.
Protein change: p.Gly1130_Leu1131insGly.
Molecular consequence: inframe insertion. On other transcripts: inframe indel (1).
Genome position (GRCh38, 1-based): chr9:2,110,348-2,110,350, TGG duplicated; duplicating any 3 consecutive bases within chr9:2,110,345-2,110,350 gives the same sequence; the position shown is the placement nearest the transcript's 3' end. VCF-style (leftmost placement, unchanged base first): chr9-2110344-C-CTGG. GRCh37 (hg19) VCF-style: chr9-2110344-C-CTGG.
Other names: c.3384_3386TGG[3], p.Gly1130_Leu1131insGly (NM_001289396.2); c.3210TGG[3], p.Gly1072_Leu1073insGly (NM_001289397.2); c.3384TGG[3], p.Gly1130_Leu1131insGly (NM_139045.4).
Identifiers: ClinVar variation 2029345 (VCV002029345.4), dbSNP rs2537391937, ClinGen allele CA2580616144.

ClinVar aggregate classification (germline): Likely pathogenic (1 of 4 stars; one submission).

Submission:

Labcorp Genetics (formerly Invitae), Labcorp
Classification: Likely pathogenic. Last evaluated: 2022-09-07. Review status: criteria provided, single submitter. Criteria: Invitae Variant Classification Sherloc (09022015). Collection method: clinical testing. Allele origin: germline.
Comment: In summary, the currently available evidence indicates that the variant is pathogenic, but additional data are needed to prove that conclusively. Therefore, this variant has been classified as Likely Pathogenic. This variant has been observed in individual(s) with SMARCA2-related conditions (Invitae). In at least one individual the variant was observed to be de novo. This variant is not present in population databases (gnomAD no frequency). This variant, c.3387_3389dup, results in the insertion of 1 amino acid(s) of the SMARCA2 protein (p.Gly1130dup), but otherwise preserves the integrity of the reading frame.